The following is an entry in ClinVar:

NM_001142800.2(EYS):c.9088G>A (p.Val3030Met)

Genes: EYS (EGF-like photoreceptor maintenance factor; minus strand), PHF3 (PHD finger protein 3; plus strand). Cytogenetic location: 6q12.
Variant type: single nucleotide variant.
Coding change: c.9088G>A on transcript NM_001142800.2 (MANE Select); coding-DNA position 9088, G replaced by A.
Protein change: p.Val3030Met; replaces valine 3030 with methionine.
Molecular consequence: missense variant. On other transcripts: 3 prime UTR variant (5).
Genome position (GRCh38, 1-based): chr6:63,720,943, C>T on the plus strand (G>A on the coding strand, the complement: EYS is on the minus strand). VCF-style: chr6-63720943-C-T. GRCh37 (hg19) VCF-style: chr6-64430839-C-T.
Other names: c.*7235C>T (NM_001290259.2, NM_001370348.2, NM_001370349.2 and 2 more transcripts); c.9151G>A, p.Val3051Met (NM_001292009.2); short protein forms V3030M, V3051M.
Identifiers: ClinVar variation 969997 (VCV000969997.11), dbSNP rs940065327, ClinGen allele CA140236801.

ClinVar aggregate classification (germline): Uncertain significance. Review status: criteria provided, single submitter (1 of 4 stars). 2 submissions from 2 submitters: Uncertain significance (1). 1 of the submissions does not count toward it. Last evaluated 2024-12-02.

Conditions:
Retinitis pigmentosa 25 (RP25). Identifiers: Orphanet 791, MedGen C1864446, MONDO:0011272, OMIM 602772.

Allele frequency attached by ClinVar (database versions not stated): gnomAD exomes below 0.00001 and 0.00001.
gnomAD v4.1: 3 of 1,551,284 alleles (0.00019%); highest among the groups gnomAD compares: Admixed American, 0.002%; no homozygotes.

Submissions (2):

Labcorp Genetics (formerly Invitae), Labcorp
Classification: Uncertain significance. Last evaluated: 2024-12-02. Review status: criteria provided, single submitter. Criteria: Invitae Variant Classification Sherloc (09022015). Collection method: clinical testing. Allele origin: germline.
Comment: This sequence change replaces valine, which is neutral and non-polar, with methionine, which is neutral and non-polar, at codon 3030 of the EYS protein (p.Val3030Met). The frequency data for this variant in the population databases is considered unreliable, as metrics indicate poor data quality at this position in the gnomAD database. This variant has not been reported in the literature in individuals affected with EYS-related conditions. ClinVar contains an entry for this variant (Variation ID: 969997). Invitae Evidence Modeling of protein sequence and biophysical properties (such as structural, functional, and spatial information, amino acid conservation, physicochemical variation, residue mobility, and thermodynamic stability) has been performed for this missense variant. However, the output from this modeling did not meet the statistical confidence thresholds required to predict the impact of this variant on EYS protein function. In summary, the available evidence is currently insufficient to determine the role of this variant in disease. Therefore, it has been classified as a Variant of Uncertain Significance.

Natera, Inc.
Classification: Uncertain significance for Retinitis pigmentosa type 25. Last evaluated: 2020-08-03. Review status: no assertion criteria provided. Collection method: clinical testing. Allele origin: germline. Not counted in ClinVar's aggregate classification.